The following is an entry in ClinVar:

ClinVar aggregate classification (germline): Likely benign (0 of 4 stars; one submission).

Conditions:
ADCY3-related disorder. Also called: ADCY3-related condition.

Allele frequency attached by ClinVar (database versions not stated): ExAC 0.00001; TOPMed 0.00002; gnomAD 0.00003.
gnomAD v4.1: 33 of 1,614,030 alleles (0.002%); highest among the groups gnomAD compares: Non-Finnish European, 0.0026%; no homozygotes.

Submission:

PreventionGenetics, part of Exact Sciences
Classification: Likely benign for ADCY3-related condition. Last evaluated: 2022-04-20. Review status: no assertion criteria provided. Collection method: clinical testing. Allele origin: germline.
Comment: This variant is classified as likely benign based on ACMG/AMP sequence variant interpretation guidelines (Richards et al. 2015 PMID: 25741868, with internal and published modifications).

NM_004036.5(ADCY3):c.2118C>T (p.Asn706=)

Gene: ADCY3 (adenylate cyclase 3; minus strand). Cytogenetic location: 2p23.3.
Variant type: single nucleotide variant.
Coding change: c.2118C>T on transcript NM_004036.5 (MANE Select); coding-DNA position 2118, C replaced by T.
Protein change: p.Asn706=; no amino-acid change (asparagine 706 retained).
Molecular consequence: synonymous variant.
Genome position (GRCh38, 1-based): chr2:24,830,763, G>A on the plus strand (C>T on the coding strand, the complement: ADCY3 is on the minus strand). VCF-style: chr2-24830763-G-A. GRCh37 (hg19) VCF-style: chr2-25053632-G-A.
Other names: c.2118C>T, p.Asn706= (NM_001320613.2, NM_001377129.1, NM_001377130.1 and 1 more transcripts); c.2184C>T, p.Asn728= (NM_001377128.1); c.1395C>T, p.Asn465= (NM_001377131.1).
Identifiers: ClinVar variation 3053734 (VCV003053734.2), dbSNP rs770768026, ClinGen allele CA1553870.